The following is an entry in ClinVar:

NM_000051.4(ATM):c.7271T>C (p.Val2424Ala)

Genes: C11orf65 (chromosome 11 open reading frame 65; minus strand), ATM (ATM serine/threonine kinase; plus strand). Cytogenetic location: 11q22.3.
Variant type: single nucleotide variant.
Coding change: c.7271T>C on transcript NM_000051.4 (MANE Select); coding-DNA position 7271, T replaced by C.
Protein change: p.Val2424Ala; replaces valine 2424 with alanine.
Molecular consequence: missense variant. On other transcripts: intron variant (2).
Genome position (GRCh38, 1-based): chr11:108,329,202, T>C. VCF-style: chr11-108329202-T-C. GRCh37 (hg19) VCF-style: chr11-108199929-T-C.
Other names: c.7271T>C, p.Val2424Ala (NM_001351834.2); c.641-20131A>G (NM_001330368.2); c.*38+6018A>G (NM_001351110.2); short protein forms V2424A.
Identifiers: ClinVar variation 859043 (VCV000859043.11), dbSNP rs28904921, ClinGen allele CA382559769.

ClinVar aggregate classification (germline): Uncertain significance. Review status: criteria provided, multiple submitters, no conflicts (2 of 4 stars). 2 submissions from 2 submitters: Uncertain significance (2). Last evaluated 2025-09-12.

Conditions:
Hereditary cancer-predisposing syndrome. Also called: Tumor predisposition; Neoplastic Syndromes, Hereditary; Hereditary Cancer Syndrome; Hereditary neoplastic syndrome. Identifiers: Orphanet 140162, MedGen C0027672, MeSH D009386, MONDO:0015356.
Ataxia-telangiectasia syndrome (AT). Also called: ATAXIA-TELANGIECTASIA, COMPLEMENTATION GROUP A; ATAXIA-TELANGIECTASIA, FRESNO VARIANT; Ataxia-telangiectasia; Ataxia-telangiectasia, complementation group D; AT, COMPLEMENTATION GROUP C; Ataxia-telangiectasia, complementation group E. Identifiers: Orphanet 100, MedGen C0004135, MONDO:0008840, OMIM 208900.

Submissions (2):

Labcorp Genetics (formerly Invitae), Labcorp
Classification: Uncertain significance for Ataxia-telangiectasia syndrome. Last evaluated: 2025-09-12. Review status: criteria provided, single submitter. Criteria: Invitae Variant Classification Sherloc (09022015). Collection method: clinical testing. Allele origin: germline.
Comment: This sequence change replaces valine, which is neutral and non-polar, with alanine, which is neutral and non-polar, at codon 2424 of the ATM protein (p.Val2424Ala). This variant is not present in population databases (gnomAD no frequency). This variant has not been reported in the literature in individuals affected with ATM-related conditions. ClinVar contains an entry for this variant (Variation ID: 859043). Invitae Evidence Modeling of protein sequence and biophysical properties (such as structural, functional, and spatial information, amino acid conservation, physicochemical variation, residue mobility, and thermodynamic stability) has been performed for this missense variant. However, the output from this modeling did not meet the statistical confidence thresholds required to predict the impact of this variant on ATM protein function. This variant disrupts the p.Val2424 amino acid residue in ATM. Other variant(s) that disrupt this residue have been determined to be pathogenic (PMID: 8755918, 9463314, 11830610, 16958054, 18575927, 19781682, 21787400, 24733792, 26506520). This suggests that this residue is clinically significant, and that variants that disrupt this residue are likely to be disease-causing. In summary, the available evidence is currently insufficient to determine the role of this variant in disease. Therefore, it has been classified as a Variant of Uncertain Significance.

Ambry Genetics
Classification: Uncertain significance for Hereditary cancer-predisposing syndrome. Last evaluated: 2023-10-11. Review status: criteria provided, single submitter. Criteria: Ambry Variant Classification Scheme 2023. Collection method: clinical testing. Allele origin: germline.
Comment: The p.V2424A variant (also known as c.7271T>C), located in coding exon 48 of the ATM gene, results from a T to C substitution at nucleotide position 7271. The valine at codon 2424 is replaced by alanine, an amino acid with similar properties. This alteration was not observed in 7,051 unselected female breast cancer patients, 53 unselected male breast cancer patients, or in 11,241 female controls of Japanese ancestry, but was observed with an allele frequency of 0.0002 in 12,490 male controls of Japanese ancestry (Momozawa Y et al. Nat Commun, 2018 Oct;9:4083). In another study, this variant was not detected in a cohort of 1,005 Japanese pancreatic cancer patients but was seen with a carrier frequency of 0.00008 in 23,705 controls (Mizukami K et al. EBioMedicine, 2020 Oct;60:103033). This amino acid position is highly conserved in available vertebrate species. In addition, the in silico prediction for this alteration is inconclusive. Since supporting evidence is limited at this time, the clinical significance of this alteration remains unclear.

Literature cited by the submitters: PubMed 8755918 (cited by Labcorp Genetics (formerly Invitae), Labcorp); PubMed 9463314 (cited by Labcorp Genetics (formerly Invitae), Labcorp); PubMed 11830610 (cited by Labcorp Genetics (formerly Invitae), Labcorp); PubMed 16958054 (cited by Labcorp Genetics (formerly Invitae), Labcorp); PubMed 18575927 (cited by Labcorp Genetics (formerly Invitae), Labcorp); PubMed 19781682 (cited by Labcorp Genetics (formerly Invitae), Labcorp); PubMed 21787400 (cited by Labcorp Genetics (formerly Invitae), Labcorp); PubMed 24733792 (cited by Labcorp Genetics (formerly Invitae), Labcorp); PubMed 26506520 (cited by Labcorp Genetics (formerly Invitae), Labcorp); PubMed 30287823 (cited by Ambry Genetics); PubMed 32980694 (cited by Ambry Genetics).